The following is an entry in ClinVar:

NM_032638.5(GATA2):c.815G>C (p.Gly272Ala)

Gene: GATA2 (GATA binding protein 2; minus strand). Cytogenetic location: 3q21.3.
Variant type: single nucleotide variant.
Coding change: c.815G>C on transcript NM_032638.5 (MANE Select); coding-DNA position 815, G replaced by C.
Protein change: p.Gly272Ala; replaces glycine 272 with alanine.
Molecular consequence: missense variant.
Genome position (GRCh38, 1-based): chr3:128,485,783, C>G on the plus strand (G>C on the coding strand, the complement: GATA2 is on the minus strand). VCF-style: chr3-128485783-C-G. GRCh37 (hg19) VCF-style: chr3-128204626-C-G.
Other names: c.815G>C, p.Gly272Ala (NM_001145661.2, NM_001145662.1); c.815G>C (NM_001145661.1); short protein forms G272A.
Identifiers: ClinVar variation 939063 (VCV000939063.11), dbSNP rs770511115, ClinGen allele CA83371733.

ClinVar aggregate classification (germline): Uncertain significance. Review status: criteria provided, multiple submitters, no conflicts (2 of 4 stars). 3 submissions from 3 submitters: Uncertain significance (3). Last evaluated 2026-01-06.

Conditions:
Monocytopenia with susceptibility to infections. Also called: IMMUNODEFICIENCY 21; GATA2 DEFICIENCY; COMBINED IMMUNODEFICIENCY WITH SUSCEPTIBILITY TO MYCOBACTERIAL, VIRAL, AND FUNGAL INFECTIONS; MONOCYTOPENIA AND MYCOBACTERIAL INFECTION SYNDROME; MONOCYTOPENIA WITH SUSCEPTIBILITY TO MYCOBACTERIAL, FUNGAL, AND PAPILLOMAVIRUS INFECTIONS AND MYELODYSPLASIA; Dendritic cell, monocyte, B lymphocyte, and natural killer lymphocyte deficiency. Identifiers: Orphanet 228423, MedGen C3280030, MONDO:0013607, OMIM 614172.
Deafness-lymphedema-leukemia syndrome. Also called: Lymphedema, primary, with myelodysplasia; Emberger syndrome. Identifiers: Orphanet 3226, MedGen C3279664, MONDO:0013540, OMIM 614038.
GATA2-related disorder. Also called: GATA2-Related Disorders; GATA2-related condition.
Inborn genetic diseases. Identifiers: MedGen C0950123, MeSH D030342.

Allele frequency attached by ClinVar (database versions not stated): gnomAD 0.00001; TOPMed 0.00001.

Submissions (3):

Ambry Genetics
Classification: Uncertain significance for Inborn genetic diseases. Last evaluated: 2026-01-06. Review status: criteria provided, single submitter. Criteria: Ambry Variant Classification Scheme 2023. Collection method: clinical testing. Allele origin: germline.
Comment: The p.G272A variant (also known as c.815G>C), located in coding exon 2 of the GATA2 gene, results from a G to C substitution at nucleotide position 815. The glycine at codon 272 is replaced by alanine, an amino acid with similar properties. This amino acid position is highly conserved in available vertebrate species. In addition, the in silico prediction for this alteration is inconclusive. Based on the available evidence, the clinical significance of this variant remains unclear.

PreventionGenetics, part of Exact Sciences
Classification: Uncertain significance for GATA2-related condition. Last evaluated: 2025-04-28. Review status: criteria provided, single submitter. Criteria: ACMG Guidelines, 2015. Collection method: clinical testing. Allele origin: germline.
Comment: The GATA2 c.815G>C variant is predicted to result in the amino acid substitution p.Gly272Ala. To our knowledge, this variant has not been reported in the literature or in a large population database (gnomAD), indicating this variant is rare. At this time, the clinical significance of this variant is uncertain due to the absence of conclusive functional and genetic evidence.

Labcorp Genetics (formerly Invitae), Labcorp
Classification: Uncertain significance for Monocytopenia with susceptibility to infections; Deafness-lymphedema-leukemia syndrome. Last evaluated: 2025-04-07. Review status: criteria provided, single submitter. Criteria: Invitae Variant Classification Sherloc (09022015). Collection method: clinical testing. Allele origin: germline.
Comment: This sequence change replaces glycine, which is neutral and non-polar, with alanine, which is neutral and non-polar, at codon 272 of the GATA2 protein (p.Gly272Ala). This variant is not present in population databases (gnomAD no frequency). This variant has not been reported in the literature in individuals affected with GATA2-related conditions. ClinVar contains an entry for this variant (Variation ID: 939063). Invitae Evidence Modeling of protein sequence and biophysical properties (such as structural, functional, and spatial information, amino acid conservation, physicochemical variation, residue mobility, and thermodynamic stability) indicates that this missense variant is not expected to disrupt GATA2 protein function with a negative predictive value of 95%. In summary, the available evidence is currently insufficient to determine the role of this variant in disease. Therefore, it has been classified as a Variant of Uncertain Significance.